The following is an entry in ClinVar:

NM_006206.6(PDGFRA):c.2692G>C (p.Gly898Arg)

Gene: PDGFRA (platelet derived growth factor receptor alpha; plus strand). Cytogenetic location: 4q12.
Variant type: single nucleotide variant.
Coding change: c.2692G>C on transcript NM_006206.6 (MANE Select); coding-DNA position 2692, G replaced by C.
Protein change: p.Gly898Arg; replaces glycine 898 with arginine.
Molecular consequence: missense variant.
Genome position (GRCh38, 1-based): chr4:54,288,816, G>C. VCF-style: chr4-54288816-G-C. GRCh37 (hg19) VCF-style: chr4-55154983-G-C.
Other names: c.2767G>C, p.Gly923Arg (NM_001347828.2); c.2692G>C, p.Gly898Arg (NM_001347829.2); c.2731G>C, p.Gly911Arg (NM_001347830.2); short protein forms G898R, G911R, G923R.
Identifiers: ClinVar variation 5026387 (VCV005026387.1).

ClinVar aggregate classification (germline): Uncertain significance (1 of 4 stars; one submission).

Conditions:
Hereditary cancer-predisposing syndrome. Also called: Neoplastic Syndromes, Hereditary; Tumor predisposition; Hereditary neoplastic syndrome; Hereditary Cancer Syndrome. Identifiers: Orphanet 140162, MedGen C0027672, MeSH D009386, MONDO:0015356.

Submission:

Ambry Genetics
Classification: Uncertain significance for Hereditary cancer-predisposing syndrome. Last evaluated: 2026-06-16. Review status: criteria provided, single submitter. Criteria: Ambry Variant Classification Scheme 2023. Collection method: clinical testing. Allele origin: germline.
Comment: The p.G898R variant (also known as c.2692G>C), located in coding exon 19 of the PDGFRA gene, results from a G to C substitution at nucleotide position 2692. The glycine at codon 898 is replaced by arginine, an amino acid with dissimilar properties. This amino acid position is conserved. In addition, this alteration is predicted to be deleterious by in silico analysis. Based on the available evidence, the clinical significance of this variant remains unclear.